The following is an entry in ClinVar:

NM_018139.3(DNAAF2):c.620G>A (p.Gly207Glu)

Gene: DNAAF2 (dynein axonemal assembly factor 2; minus strand). Cytogenetic location: 14q21.3.
Variant type: single nucleotide variant.
Coding change: c.620G>A on transcript NM_018139.3 (MANE Select); coding-DNA position 620, G replaced by A.
Protein change: p.Gly207Glu; replaces glycine 207 with glutamic acid.
Molecular consequence: missense variant.
Genome position (GRCh38, 1-based): chr14:49,634,530, C>T on the plus strand (G>A on the coding strand, the complement: DNAAF2 is on the minus strand). VCF-style: chr14-49634530-C-T. GRCh37 (hg19) VCF-style: chr14-50101248-C-T.
Other names: c.620G>A (NM_018139.2); c.620G>A, p.Gly207Glu (NM_001083908.2); short protein forms G207E.
Identifiers: ClinVar variation 2038006 (VCV002038006.2), dbSNP rs751429432, ClinGen allele CA7173071.

ClinVar aggregate classification (germline): Uncertain significance. Review status: criteria provided, multiple submitters, no conflicts (2 of 4 stars). 2 submissions from 2 submitters: Uncertain significance (2). Last evaluated 2025-02-22.

Conditions:
Primary ciliary dyskinesia. Also called: Ciliary dyskinesia. Identifiers: Orphanet 244, MedGen C0008780, MONDO:0016575, HP:0012265.

Allele frequency attached by ClinVar (database versions not stated): gnomAD exomes 0.00001; TOPMed 0.00003; ExAC 0.00005.
gnomAD v4.1: 10 of 1,602,076 alleles (0.00062%); highest among the groups gnomAD compares: Admixed American, 0.013%; no homozygotes.

Submissions (2):

Ambry Genetics
Classification: Uncertain significance for Primary ciliary dyskinesia. Last evaluated: 2025-02-22. Review status: criteria provided, single submitter. Criteria: Ambry Variant Classification Scheme 2023. Collection method: clinical testing. Allele origin: germline.

Labcorp Genetics (formerly Invitae), Labcorp
Classification: Uncertain significance for Primary ciliary dyskinesia. Last evaluated: 2022-03-11. Review status: criteria provided, single submitter. Criteria: Invitae Variant Classification Sherloc (09022015). Collection method: clinical testing. Allele origin: germline.
Comment: This sequence change replaces glycine, which is neutral and non-polar, with glutamic acid, which is acidic and polar, at codon 207 of the DNAAF2 protein (p.Gly207Glu). This variant is present in population databases (rs751429432, gnomAD 0.02%). This variant has not been reported in the literature in individuals affected with DNAAF2-related conditions. Algorithms developed to predict the effect of missense changes on protein structure and function output the following: SIFT: "Deleterious"; PolyPhen-2: "Benign"; Align-GVGD: "Class C0". The glutamic acid amino acid residue is found in multiple mammalian species, which suggests that this missense change does not adversely affect protein function. In summary, the available evidence is currently insufficient to determine the role of this variant in disease. Therefore, it has been classified as a Variant of Uncertain Significance.